The following is an entry in ClinVar:

ClinVar aggregate classification (germline): Uncertain significance. Review status: criteria provided, multiple submitters, no conflicts (2 of 4 stars). 3 submissions from 3 submitters: Uncertain significance (2). 1 of the submissions does not count toward it. Last evaluated 2024-11-13.

Conditions:
Usher syndrome type 1B (USH1B). Also called: Usher syndrome type IB. Identifiers: MedGen C1848638, MONDO:0700087.

Allele frequency attached by ClinVar (database versions not stated): gnomAD 0.00003.
gnomAD v4.1: 1 of 1,613,234 alleles (0.000062%); highest among the groups gnomAD compares: African/African-American, 0.0013%; no homozygotes.

Submissions (3):

Labcorp Genetics (formerly Invitae), Labcorp
Classification: Uncertain significance. Last evaluated: 2024-11-13. Review status: criteria provided, single submitter. Criteria: Invitae Variant Classification Sherloc (09022015). Collection method: clinical testing. Allele origin: germline.
Comment: This sequence change replaces histidine, which is basic and polar, with glutamine, which is neutral and polar, at codon 1863 of the MYO7A protein (p.His1863Gln). This variant is present in population databases (rs727504024, gnomAD 0.01%). This variant has not been reported in the literature in individuals affected with MYO7A-related conditions. ClinVar contains an entry for this variant (Variation ID: 167314). Invitae Evidence Modeling of protein sequence and biophysical properties (such as structural, functional, and spatial information, amino acid conservation, physicochemical variation, residue mobility, and thermodynamic stability) indicates that this missense variant is not expected to disrupt MYO7A protein function with a negative predictive value of 95%. In summary, the available evidence is currently insufficient to determine the role of this variant in disease. Therefore, it has been classified as a Variant of Uncertain Significance.

Eurofins Ntd Llc (ga)
Classification: Uncertain significance. Last evaluated: 2014-01-21. Review status: criteria provided, single submitter. Criteria: EGL Classification Definitions 2015. Collection method: clinical testing. Allele origin: germline. Observed: 1 variant allele, 1 heterozygote.

Natera, Inc.
Classification: Uncertain significance for Usher syndrome type 1B. Last evaluated: 2025-04-11. Review status: no assertion criteria provided. Collection method: clinical testing. Allele origin: germline. Not counted in ClinVar's aggregate classification.

NM_000260.4(MYO7A):c.5589C>G (p.His1863Gln)

Gene: MYO7A (myosin VIIA; plus strand). Cytogenetic location: 11q13.5.
Variant type: single nucleotide variant.
Coding change: c.5589C>G on transcript NM_000260.4 (MANE Select); coding-DNA position 5589, C replaced by G.
Protein change: p.His1863Gln; replaces histidine 1863 with glutamine.
Molecular consequence: missense variant.
Genome position (GRCh38, 1-based): chr11:77,205,570, C>G. VCF-style: chr11-77205570-C-G. GRCh37 (hg19) VCF-style: chr11-76916615-C-G.
Other names: c.5589C>G (NM_000260.3); c.5475C>G, p.His1825Gln (NM_001127180.2); c.5442C>G, p.His1814Gln (NM_001369365.1); short protein forms H1863Q, H1814Q, H1825Q.
Identifiers: ClinVar variation 167314 (VCV000167314.8), dbSNP rs727504024, ClinGen allele CA234294.